The following is an entry in ClinVar:

ClinVar aggregate classification (germline): Uncertain significance (1 of 4 stars; one submission).

Conditions:
Hereditary cancer-predisposing syndrome. Also called: Tumor predisposition; Neoplastic Syndromes, Hereditary; Hereditary neoplastic syndrome; Hereditary Cancer Syndrome. Identifiers: Orphanet 140162, MedGen C0027672, MeSH D009386, MONDO:0015356.

Submission:

Color Diagnostics, LLC DBA Color Health
Classification: Uncertain significance for Hereditary cancer-predisposing syndrome. Last evaluated: 2023-12-05. Review status: criteria provided, single submitter. Criteria: ACMG Guidelines, 2015. Collection method: clinical testing. Allele origin: germline.
Comment: This missense variant replaces phenylalanine with leucine at codon 2356 of the BRCA2 protein. Computational prediction suggests that this variant may not impact protein structure and function (internally defined REVEL score threshold <= 0.5, PMID: 27666373). To our knowledge, functional studies have not been reported for this variant. This variant has not been reported in individuals affected with BRCA2-related disorders in the literature. This variant has not been identified in the general population by the Genome Aggregation Database (gnomAD). The available evidence is insufficient to determine the role of this variant in disease conclusively. Therefore, this variant is classified as a Variant of Uncertain Significance.

NM_000059.4(BRCA2):c.7068T>G (p.Phe2356Leu)

Gene: BRCA2 (BRCA2 DNA repair associated; plus strand). Cytogenetic location: 13q13.1.
Variant type: single nucleotide variant.
Coding change: c.7068T>G on transcript NM_000059.4 (MANE Select); coding-DNA position 7068, T replaced by G.
Protein change: p.Phe2356Leu; replaces phenylalanine 2356 with leucine.
Molecular consequence: missense variant.
Genome position (GRCh38, 1-based): chr13:32,354,921, T>G. VCF-style: chr13-32354921-T-G. GRCh37 (hg19) VCF-style: chr13-32929058-T-G.
Other names: short protein forms F2356L.
Identifiers: ClinVar variation 631147 (VCV000631147.5), dbSNP rs1398504932, ClinGen allele CA387738373.